The following is an entry in ClinVar:

NM_015512.5(DNAH1):c.7387C>T (p.Gln2463Ter)

Gene: DNAH1 (dynein axonemal heavy chain 1; plus strand). Cytogenetic location: 3p21.1.
Variant type: single nucleotide variant.
Coding change: c.7387C>T on transcript NM_015512.5 (MANE Select); coding-DNA position 7387, C replaced by T.
Protein change: p.Gln2463Ter; replaces glutamine 2463 with a stop codon.
Molecular consequence: nonsense.
Genome position (GRCh38, 1-based): chr3:52,379,914, C>T. VCF-style: chr3-52379914-C-T. GRCh37 (hg19) VCF-style: chr3-52413930-C-T.
Other names: short protein forms Q2463*.
Identifiers: ClinVar variation 3748587 (VCV003748587.2).

ClinVar aggregate classification (germline): Pathogenic (1 of 4 stars; one submission).

Conditions:
Spermatogenic failure 18. Identifiers: MedGen C4539783, MONDO:0054615, OMIM 617576.
Ciliary dyskinesia, primary, 37 (CILD37). Also called: CILIARY DYSKINESIA, PRIMARY, 37, WITH OR WITHOUT SITUS INVERSUS. Identifiers: MedGen C4539798, MONDO:0033204, OMIM 617577.

Submission:

Labcorp Genetics (formerly Invitae), Labcorp
Classification: Pathogenic for Ciliary dyskinesia, primary, 37; Spermatogenic failure 18. Last evaluated: 2025-08-06. Review status: criteria provided, single submitter. Criteria: Invitae Variant Classification Sherloc (09022015). Collection method: clinical testing. Allele origin: germline.
Comment: This sequence change creates a premature translational stop signal (p.Gln2463*) in the DNAH1 gene. It is expected to result in an absent or disrupted protein product. Loss-of-function variants in DNAH1 are known to be pathogenic (PMID: 27573432, 27798045). This variant is not present in population databases (gnomAD no frequency). This premature translational stop signal has been observed in individual(s) with male infertility (PMID: 32719396). ClinVar contains an entry for this variant (Variation ID: 3748587). Algorithms developed to predict the effect of sequence changes on RNA splicing suggest that this variant may disrupt the consensus splice site. For these reasons, this variant has been classified as Pathogenic.

Literature cited by the submitters: PubMed 27573432; PubMed 27798045; PubMed 32719396.